The following is an entry in ClinVar:

ClinVar aggregate classification (germline): Uncertain significance (1 of 4 stars; one submission).

Conditions:
Neuromuscular disease caused by qualitative or quantitative defects of dysferlin. Also called: Qualitative or quantitative defects of dysferlin; Dysferlinopathy. Identifiers: Orphanet 207073, MedGen C2931687, MONDO:0016145.

Submission:

Labcorp Genetics (formerly Invitae), Labcorp
Classification: Uncertain significance for Qualitative or quantitative defects of dysferlin. Last evaluated: 2019-09-06. Review status: criteria provided, single submitter. Criteria: Invitae Variant Classification Sherloc (09022015). Collection method: clinical testing. Allele origin: germline.
Comment: This sequence change replaces proline with leucine at codon 44 of the DYSF protein (p.Pro44Leu). The proline residue is moderately conserved and there is a moderate physicochemical difference between proline and leucine. This variant is not present in population databases (ExAC no frequency). This variant has not been reported in the literature in individuals with DYSF-related conditions. Algorithms developed to predict the effect of missense changes on protein structure and function are either unavailable or do not agree on the potential impact of this missense change (SIFT: "Deleterious"; PolyPhen-2: "Probably Damaging"; Align-GVGD: "Class C0"). In summary, the available evidence is currently insufficient to determine the role of this variant in disease. Therefore, it has been classified as a Variant of Uncertain Significance.

NM_001130987.2(DYSF):c.134C>T (p.Pro45Leu)

Gene: DYSF (dysferlin; plus strand). Cytogenetic location: 2p13.2.
Variant type: single nucleotide variant.
Coding change: c.134C>T on transcript NM_001130987.2 (MANE Select); coding-DNA position 134, C replaced by T.
Protein change: p.Pro45Leu; replaces proline 45 with leucine.
Molecular consequence: missense variant.
Genome position (GRCh38, 1-based): chr2:71,480,925, C>T. VCF-style: chr2-71480925-C-T. GRCh37 (hg19) VCF-style: chr2-71708055-C-T.
Other names: c.134C>T, p.Pro45Leu (NM_001130455.2, NM_001130982.2, NM_001130983.2 and 3 more transcripts); c.131C>T, p.Pro44Leu (NM_001130976.2, NM_001130977.2, NM_001130978.2 and 4 more transcripts); short protein forms P44L, P45L.
Identifiers: ClinVar variation 956663 (VCV000956663.1), dbSNP rs773503180, ClinGen allele CA347216082.